The following is an entry in ClinVar:

ClinVar aggregate classification (germline): Likely benign (1 of 4 stars; one submission).

gnomAD v4.1: 11 of 1,478,798 alleles (0.00074%); highest among the groups gnomAD compares: Middle Eastern, 0.025%; 2 homozygotes.

Submission:

CeGaT Center for Human Genetics Tuebingen
Classification: Likely benign. Last evaluated: 2026-05-01. Review status: criteria provided, single submitter. Criteria: CeGaT Center For Human Genetics Tuebingen Variant Classification Criteria Version 2. Collection method: clinical testing. Allele origin: germline. Affected: yes. Observed: 1 variant allele.
Comment: TTN: BS2

NM_001267550.2(TTN):c.37006C>T (p.Pro12336Ser)

Gene: TTN (titin; minus strand). Cytogenetic location: 2q31.2.
Variant type: single nucleotide variant.
Coding change: c.37006C>T on transcript NM_001267550.2 (MANE Select); coding-DNA position 37006, C replaced by T.
Protein change: p.Pro12336Ser; replaces proline 12336 with serine.
Molecular consequence: missense variant. On other transcripts: intron variant (5).
Genome position (GRCh38, 1-based): chr2:178,662,371, G>A on the plus strand (C>T on the coding strand, the complement: TTN is on the minus strand). VCF-style: chr2-178662371-G-A. GRCh37 (hg19) VCF-style: chr2-179527098-G-A.
Other names: c.13283-20054C>T (NM_003319.4); c.13859-20054C>T (NM_133437.4); c.13658-20054C>T (NM_133432.3); c.31573+595C>T (NM_133378.4); c.34354+595C>T (NM_001256850.1); short protein forms P12336S.
Identifiers: ClinVar variation 4874834 (VCV004874834.2).